The following is an entry in ClinVar:

ClinVar aggregate classification (germline): Uncertain significance (1 of 4 stars; one submission).

gnomAD v4.1: 4 of 1,598,802 alleles (0.00025%); highest among the groups gnomAD compares: Middle Eastern, 0.05%; no homozygotes.

Submission:

Labcorp Genetics (formerly Invitae), Labcorp
Classification: Uncertain significance. Last evaluated: 2023-10-13. Review status: criteria provided, single submitter. Criteria: Invitae Variant Classification Sherloc (09022015). Collection method: clinical testing. Allele origin: germline.
Comment: This sequence change replaces serine, which is neutral and polar, with cysteine, which is neutral and slightly polar, at codon 771 of the FGFR3 protein (p.Ser771Cys). This variant is present in population databases (rs755526507, gnomAD no frequency). This variant has not been reported in the literature in individuals affected with FGFR3-related conditions. ClinVar contains an entry for this variant (Variation ID: 1680138). Advanced modeling of protein sequence and biophysical properties (such as structural, functional, and spatial information, amino acid conservation, physicochemical variation, residue mobility, and thermodynamic stability) has been performed at Invitae for this missense variant, however the output from this modeling did not meet the statistical confidence thresholds required to predict the impact of this variant on FGFR3 protein function. In summary, the available evidence is currently insufficient to determine the role of this variant in disease. Therefore, it has been classified as a Variant of Uncertain Significance.

NM_000142.5(FGFR3):c.2312C>G (p.Ser771Cys)

Gene: FGFR3 (fibroblast growth factor receptor 3; plus strand). Cytogenetic location: 4p16.3.
Variant type: single nucleotide variant.
Coding change: c.2312C>G on transcript NM_000142.5 (MANE Select); coding-DNA position 2312, C replaced by G.
Protein change: p.Ser771Cys; replaces serine 771 with cysteine.
Molecular consequence: missense variant. On other transcripts: synonymous variant (1), non-coding transcript variant (1).
Genome position (GRCh38, 1-based): chr4:1,807,153, C>G. VCF-style: chr4-1807153-C-G. GRCh37 (hg19) VCF-style: chr4-1808880-C-G.
Other names: c.2318C>G, p.Ser773Cys (NM_001163213.2); c.2315C>G, p.Ser772Cys (NM_001354809.2); c.2244C>G, p.Leu748= (NM_001354810.2); c.1976C>G, p.Ser659Cys (NM_022965.4); short protein forms S659C, S771C, S772C, S773C.
Identifiers: ClinVar variation 1680138 (VCV001680138.8), dbSNP rs755526507, ClinGen allele CA2810831.